The following is an entry in ClinVar:

ClinVar aggregate classification (germline): Benign/Likely benign. Review status: criteria provided, multiple submitters, no conflicts (2 of 4 stars). 6 submissions from 6 submitters: Benign (5); Likely benign (1). Last evaluated 2026-01-22.

Conditions:
Charcot-Marie-Tooth disease axonal type 2S. Also called: CHARCOT-MARIE-TOOTH DISEASE, AXONAL, AUTOSOMAL RECESSIVE, TYPE 2S; CHARCOT-MARIE-TOOTH NEUROPATHY, TYPE 2S. Identifiers: Orphanet 443073, MedGen C4015349, MONDO:0014511, OMIM 616155.
Autosomal recessive distal spinal muscular atrophy 1. Also called: NEURONOPATHY, SEVERE INFANTILE AXONAL, WITH RESPIRATORY FAILURE; SEVERE INFANTILE AXONAL NEUROPATHY WITH RESPIRATORY FAILURE; SPINAL MUSCULAR ATROPHY, DIAPHRAGMATIC; Spinal muscular atrophy with respiratory distress 1; HMN VI; NEURONOPATHY, DISTAL HEREDITARY MOTOR, HARDING TYPE VI. Identifiers: Orphanet 98920, MedGen C1858517, MONDO:0011436, OMIM 604320.
Charcot-Marie-Tooth disease. Also called: Charcot-Marie-Tooth Hereditary Neuropathy; Charcot-Marie-Tooth Neuropathy. Identifiers: Orphanet 166, MedGen C0007959, MONDO:0015626.

Allele frequency attached by ClinVar (database versions not stated): 1000 Genomes Project 0.00639; TOPMed 0.00970; ExAC 0.00278; gnomAD 0.00946 and 0.00858; 1000 Genomes Project 30x 0.00734; ESP Exome Variant Server 0.00885; gnomAD exomes 0.00234.
gnomAD v4.1: 2,548 of 1,614,020 alleles (0.16%); highest among the groups gnomAD compares: African/African-American, 3%; 34 homozygotes.

Submissions (6):

Labcorp Genetics (formerly Invitae), Labcorp
Classification: Benign for Autosomal recessive distal spinal muscular atrophy 1; Charcot-Marie-Tooth disease axonal type 2S. Last evaluated: 2026-01-22. Review status: criteria provided, single submitter. Criteria: Invitae Variant Classification Sherloc (09022015). Collection method: clinical testing. Allele origin: germline.

ARUP Laboratories, Molecular Genetics and Genomics, ARUP Laboratories
Classification: Likely benign. Last evaluated: 2022-09-13. Review status: criteria provided, single submitter. Criteria: ARUP Molecular Germline Variant Investigation Process 2021. Collection method: clinical testing. Allele origin: germline.

Mayo Clinic Laboratories, Mayo Clinic
Classification: Benign. Last evaluated: 2018-12-12. Review status: criteria provided, single submitter. Criteria: ACMG Guidelines, 2015. Collection method: clinical testing. Allele origin: germline. Observed: 4 variant alleles.

GeneDx
Classification: Benign. Last evaluated: 2016-03-03. Review status: criteria provided, single submitter. Criteria: GeneDx Variant Classification (06012015). Collection method: clinical testing. Allele origin: germline. Affected: yes.
Comment: This variant is considered likely benign or benign based on one or more of the following criteria: it is a conservative change, it occurs at a poorly conserved position in the protein, it is predicted to be benign by multiple in silico algorithms, and/or has population frequency not consistent with disease.

Molecular Genetics Laboratory, London Health Sciences Centre
Classification: Benign for Charcot-Marie-Tooth disease. Review status: criteria provided, single submitter. Criteria: ACMG Guidelines, 2015. Collection method: clinical testing. Allele origin: germline. Affected: yes.

PreventionGenetics, part of Exact Sciences
Classification: Benign. Review status: criteria provided, single submitter. Criteria: ACMG Guidelines, 2015. Collection method: clinical testing. Allele origin: germline.

NM_002180.3(IGHMBP2):c.223G>A (p.Ala75Thr)

Gene: IGHMBP2 (immunoglobulin mu DNA binding protein 2; plus strand). Cytogenetic location: 11q13.3.
Variant type: single nucleotide variant.
Coding change: c.223G>A on transcript NM_002180.3 (MANE Select); coding-DNA position 223, G replaced by A.
Protein change: p.Ala75Thr; replaces alanine 75 with threonine.
Molecular consequence: missense variant.
Genome position (GRCh38, 1-based): chr11:68,906,205, G>A. VCF-style: chr11-68906205-G-A. GRCh37 (hg19) VCF-style: chr11-68673673-G-A.
Other names: short protein forms A75T.
Identifiers: ClinVar variation 258568 (VCV000258568.24), dbSNP rs2228206, ClinGen allele CA6153219.